The following is an entry in ClinVar:

NM_005883.3(APC2):c.4406T>C (p.Leu1469Pro)

Gene: APC2 (APC regulator of Wnt signaling pathway 2; plus strand). Cytogenetic location: 19p13.3.
Variant type: single nucleotide variant.
Coding change: c.4406T>C on transcript NM_005883.3 (MANE Select); coding-DNA position 4406, T replaced by C.
Protein change: p.Leu1469Pro; replaces leucine 1469 with proline.
Molecular consequence: missense variant.
Genome position (GRCh38, 1-based): chr19:1,467,707, T>C. VCF-style: chr19-1467707-T-C. GRCh37 (hg19) VCF-style: chr19-1467706-T-C.
Other names: c.4403T>C, p.Leu1468Pro (NM_001351273.1); short protein forms L1469P, L1468P.
Identifiers: ClinVar variation 2099015 (VCV002099015.4), dbSNP rs2512531640, ClinGen allele CA403036805.

ClinVar aggregate classification (germline): Uncertain significance (1 of 4 stars; one submission).

Submission:

Labcorp Genetics (formerly Invitae), Labcorp
Classification: Uncertain significance. Last evaluated: 2023-10-03. Review status: criteria provided, single submitter. Criteria: Invitae Variant Classification Sherloc (09022015). Collection method: clinical testing. Allele origin: germline.
Comment: This sequence change replaces leucine, which is neutral and non-polar, with proline, which is neutral and non-polar, at codon 1469 of the APC2 protein (p.Leu1469Pro). This variant is not present in population databases (gnomAD no frequency). This variant has not been reported in the literature in individuals affected with APC2-related conditions. ClinVar contains an entry for this variant (Variation ID: 2099015). An algorithm developed to predict the effect of missense changes on protein structure and function (PolyPhen-2) suggests that this variant is likely to be disruptive. In summary, the available evidence is currently insufficient to determine the role of this variant in disease. Therefore, it has been classified as a Variant of Uncertain Significance.